The following is an entry in ClinVar:

NM_004415.4(DSP):c.7219G>C (p.Asp2407His)

Gene: DSP (desmoplakin; plus strand). Cytogenetic location: 6p24.3.
Variant type: single nucleotide variant.
Coding change: c.7219G>C on transcript NM_004415.4 (MANE Select); coding-DNA position 7219, G replaced by C.
Protein change: p.Asp2407His; replaces aspartic acid 2407 with histidine.
Molecular consequence: missense variant.
Genome position (GRCh38, 1-based): chr6:7,584,481, G>C. VCF-style: chr6-7584481-G-C. GRCh37 (hg19) VCF-style: chr6-7584714-G-C.
Other names: c.5422G>C, p.Asp1808His (NM_001008844.3); c.5890G>C, p.Asp1964His (NM_001319034.2); short protein forms D1964H, D1808H, D2407H.
Identifiers: ClinVar variation 3505530 (VCV003505530.1).

ClinVar aggregate classification (germline): Uncertain significance (1 of 4 stars; one submission).

Conditions:
Cardiovascular phenotype. Identifiers: MedGen CN230736.

Submission:

Ambry Genetics
Classification: Uncertain significance for Cardiovascular phenotype. Last evaluated: 2024-11-17. Review status: criteria provided, single submitter. Criteria: Ambry Variant Classification Scheme 2023. Collection method: clinical testing. Allele origin: germline.
Comment: The p.D2407H variant (also known as c.7219G>C), located in coding exon 24 of the DSP gene, results from a G to C substitution at nucleotide position 7219. The aspartic acid at codon 2407 is replaced by histidine, an amino acid with similar properties. This amino acid position is conserved. In addition, the in silico prediction for this alteration is inconclusive. Based on the available evidence, the clinical significance of this variant remains unclear.